The following is an entry in ClinVar:

NM_015335.5(MED13L):c.2536A>G (p.Lys846Glu)

Gene: MED13L (mediator complex subunit 13L; minus strand). Cytogenetic location: 12q24.21.
Variant type: single nucleotide variant.
Coding change: c.2536A>G on transcript NM_015335.5 (MANE Select); coding-DNA position 2536, A replaced by G.
Protein change: p.Lys846Glu; replaces lysine 846 with glutamic acid.
Molecular consequence: missense variant.
Genome position (GRCh38, 1-based): chr12:116,003,036, T>C on the plus strand (A>G on the coding strand, the complement: MED13L is on the minus strand). VCF-style: chr12-116003036-T-C. GRCh37 (hg19) VCF-style: chr12-116440841-T-C.
Other names: short protein forms K846E.
Identifiers: ClinVar variation 3654387 (VCV003654387.2).
Genomic context (GRCh38, chr12:116,003,036, plus strand): 5'-ATGGCTCAGTCAAGTTTCTCTACCTACTTGGTGGATAAGGAACAGCAGCTCTTCCATCCT[T>C]CCCAAGAGGTCGGTCTTCTGTCCCAACTGCAGGCATTTTTGATGAGCGCAGAGCAGGTGA-3'
Protein context (NP_056150.1, residues 836-856): AVGTEDRPLG[Lys846Glu]DGRAAVPYPP

ClinVar aggregate classification (germline): Uncertain significance (1 of 4 stars; one submission).

Conditions:
Dextro-looped transposition of the great arteries. Also called: Dextrotransposition of the great arteries. Identifiers: Orphanet 860, MedGen C3531771, MONDO:0019443, OMIM 608808, HP:0031348.

Submission:

Labcorp Genetics (formerly Invitae), Labcorp
Classification: Uncertain significance for Dextro-looped transposition of the great arteries. Last evaluated: 2024-05-31. Review status: criteria provided, single submitter. Criteria: Invitae Variant Classification Sherloc (09022015). Collection method: clinical testing. Allele origin: germline.
Comment: This sequence change replaces lysine, which is basic and polar, with glutamic acid, which is acidic and polar, at codon 846 of the MED13L protein (p.Lys846Glu). This variant is not present in population databases (gnomAD no frequency). This variant has not been reported in the literature in individuals affected with MED13L-related conditions. Advanced modeling of protein sequence and biophysical properties (such as structural, functional, and spatial information, amino acid conservation, physicochemical variation, residue mobility, and thermodynamic stability) performed at Invitae indicates that this missense variant is expected to disrupt MED13L protein function with a positive predictive value of 80%. In summary, the available evidence is currently insufficient to determine the role of this variant in disease. Therefore, it has been classified as a Variant of Uncertain Significance.